The following is an entry in ClinVar:

NM_001849.4(COL6A2):c.1111G>A (p.Gly371Ser)

Gene: COL6A2 (collagen type VI alpha 2 chain; plus strand). Cytogenetic location: 21q22.3.
Variant type: single nucleotide variant.
Coding change: c.1111G>A on transcript NM_001849.4 (MANE Select); coding-DNA position 1111, G replaced by A.
Protein change: p.Gly371Ser; replaces glycine 371 with serine.
Molecular consequence: missense variant.
Genome position (GRCh38, 1-based): chr21:46,117,931, G>A. VCF-style: chr21-46117931-G-A. GRCh37 (hg19) VCF-style: chr21-47537845-G-A.
Other names: c.1111G>A, p.Gly371Ser (NM_058174.3, NM_058175.3); short protein forms G371S.
Identifiers: ClinVar variation 569036 (VCV000569036.13), dbSNP rs768542626, ClinGen allele CA10071688.

ClinVar aggregate classification (germline): Conflicting classifications of pathogenicity. Review status: criteria provided, conflicting classifications (1 of 4 stars). 5 submissions from 5 submitters: Uncertain significance (4); Likely benign (1). Last evaluated 2026-03-06.

Conditions:
Ullrich congenital muscular dystrophy 1A. Also called: Intermediate COL6-RD; Ullrich congenital muscular dystrophy 1. Identifiers: Orphanet 75840, MedGen C0410179, MONDO:0009681, OMIM 254090.
Bethlem myopathy 1A. Also called: Bethlem Muscular Dystrophy; Bethlem myopathy 1; MYOPATHY, BENIGN CONGENITAL, WITH CONTRACTURES. Identifiers: Orphanet 610, MedGen CN029274, MONDO:0024530, OMIM 158810.

Allele frequency attached by ClinVar (database versions not stated): gnomAD 0.00001; gnomAD exomes 0.00002 and 0.00004; TOPMed 0.00002; ExAC 0.00004.
gnomAD v4.1: 30 of 1,612,228 alleles (0.0019%); highest among the groups gnomAD compares: African/African-American, 0.0067%; no homozygotes.

Submissions (5):

GeneDx
Classification: Uncertain significance. Last evaluated: 2026-03-06. Review status: criteria provided, single submitter. Criteria: GeneDx Variant Classification Process June 2021. Collection method: clinical testing. Allele origin: germline.
Comment: Reported in a heterozygous state in a patient with toe-walking and muscle hypertrophy (PMID: 36703223); In silico analysis suggests that this missense variant does not alter protein structure/function; This variant is associated with the following publications: (PMID: 36703223)

Labcorp Genetics (formerly Invitae), Labcorp
Classification: Likely benign for Bethlem myopathy 1A. Last evaluated: 2025-10-06. Review status: criteria provided, single submitter. Criteria: Invitae Variant Classification Sherloc (09022015). Collection method: clinical testing. Allele origin: germline.

Women's Health and Genetics/Laboratory Corporation of America, LabCorp
Classification: Uncertain significance. Last evaluated: 2024-12-11. Review status: criteria provided, single submitter. Criteria: LabCorp Variant Classification Summary - May 2015. Collection method: clinical testing. Allele origin: germline.
Comment: Variant summary: COL6A2 c.1111G>A (p.Gly371Ser) results in a non-conservative amino acid change located in the Collagen triple helix repeat (IPR008160) of the encoded protein sequence. Four of five in-silico tools predict a benign effect of the variant on protein function. The variant allele was found at a frequency of 4.4e-05 in 247444 control chromosomes. This frequency is not significantly higher than estimated for a pathogenic variant in COL6A2 causing Collagen Type VI-Related Disorders, allowing no conclusion about variant significance. c.1111G>A has been reported in the literature in at least one individual affected with muscle hypertrophy (El Naofal_2023). These report(s) do not provide unequivocal conclusions about association of the variant with Collagen Type VI-Related Disorders. To our knowledge, no experimental evidence demonstrating an impact on protein function has been reported. The following publication has been ascertained in the context of this evaluation (PMID: 36703223). ClinVar contains an entry for this variant (Variation ID: 569036). Based on the evidence outlined above, the variant was classified as uncertain significance.

Dubai Health Genomic Medicine Center, Dubai Health
Classification: Uncertain significance. Last evaluated: 2022-12-17. Review status: criteria provided, single submitter. Criteria: ACMG Guidelines, 2015. Collection method: clinical testing. Allele origin: germline. Affected: yes.

Baylor Genetics
Classification: Uncertain significance for Ullrich congenital muscular dystrophy 1A. Last evaluated: 2018-12-13. Review status: criteria provided, single submitter. Criteria: ACMG Guidelines, 2015. Collection method: clinical testing. Allele origin: maternal. Affected: yes.
Comment: This variant was determined to be of uncertain significance according to ACMG Guidelines, 2015 [PMID:25741868].

Literature cited by the submitters: PubMed 36703223 (cited by Women's Health and Genetics/Laboratory Corporation of America, LabCorp).